The following is an entry in ClinVar:

NM_024675.4(PALB2):c.2381_2387delinsC (p.Arg794_Gly796delinsThr)

Gene: PALB2 (partner and localizer of BRCA2; minus strand). Cytogenetic location: 16p12.2.
Variant type: Indel.
Coding change: c.2381_2387delinsC on transcript NM_024675.4 (MANE Select); coding-DNA positions 2381 to 2387, GGCAAGG replaced by C.
Protein change: p.Arg794_Gly796delinsThr.
Molecular consequence: inframe indel. On other transcripts: intron variant (1).
Genome position (GRCh38, 1-based): chr16:23,629,767-23,629,773, CCTTGCC replaced by G on the plus strand (GGCAAGG replaced by C on the coding strand, the reverse complement: PALB2 is on the minus strand). VCF-style: chr16-23629767-CCTTGCC-G. GRCh37 (hg19) VCF-style: chr16-23641088-CCTTGCC-G.
Other names: c.2321_2327delinsC, p.Arg774_Gly776delinsThr (NM_001407296.1); c.2381_2387delinsC, p.Arg794_Gly796delinsThr (NM_001407297.1, NM_001407298.1, NM_001407299.1 and 3 more transcripts); c.1496_1502delinsC, p.Arg499_Gly501delinsThr (NM_001407304.1, NM_001407305.1, NM_001407306.1 and 5 more transcripts); c.593_599delinsC, p.Arg198_Gly200delinsThr (NM_001407312.1, NM_001407313.1); c.49-498_49-492delinsC (NM_001407314.1).
Identifiers: ClinVar variation 3304004 (VCV003304004.1).

ClinVar aggregate classification (germline): Uncertain significance (1 of 4 stars; one submission).

Conditions:
Hereditary cancer-predisposing syndrome. Also called: Tumor predisposition; Hereditary Cancer Syndrome; Hereditary neoplastic syndrome; Neoplastic Syndromes, Hereditary. Identifiers: Orphanet 140162, MedGen C0027672, MeSH D009386, MONDO:0015356.

Submission:

Ambry Genetics
Classification: Uncertain significance for Hereditary cancer-predisposing syndrome. Last evaluated: 2024-05-18. Review status: criteria provided, single submitter. Criteria: Ambry Variant Classification Scheme 2023. Collection method: clinical testing. Allele origin: germline.
Comment: The c.2381_2387delGGCAAGGinsC variant (also known as p.R794_G796delinsT), located in coding exon 5 of the PALB2 gene, results from an in-frame deletion of GGCAAGG and insertion of C at nucleotide positions 2381 to 2387. This results in the deletion of three residues (RQG) and insertion of one residue (T) at codons 794 to 796. This amino acid region is not well conserved in available vertebrate species. In addition, this alteration is predicted to be deleterious by in silico analysis (Choi Y et al. PLoS ONE. 2012; 7(10):e46688). Based on the available evidence, the clinical significance of this variant remains unclear.